The following is an entry in ClinVar:

ClinVar aggregate classification (germline): Uncertain significance (1 of 4 stars; one submission).

Conditions:
Hyperekplexia 3 (HKPX3). Also called: HYPEREKPLEXIA 3, AUTOSOMAL RECESSIVE; HYPEREKPLEXIA 3, AUTOSOMAL DOMINANT. Identifiers: Orphanet 3197, MedGen C3553288, MONDO:0013827, OMIM 614618.

Allele frequency attached by ClinVar (database versions not stated): gnomAD exomes 0.00001.

Submission:

Labcorp Genetics (formerly Invitae), Labcorp
Classification: Uncertain significance for Hyperekplexia 3. Last evaluated: 2025-10-18. Review status: criteria provided, single submitter. Criteria: Invitae Variant Classification Sherloc (09022015). Collection method: clinical testing. Allele origin: germline.
Comment: This sequence change replaces serine, which is neutral and polar, with phenylalanine, which is neutral and non-polar, at codon 91 of the SLC6A5 protein (p.Ser91Phe). This variant is not present in population databases (gnomAD no frequency). This variant has not been reported in the literature in individuals affected with SLC6A5-related conditions. ClinVar contains an entry for this variant (Variation ID: 1420804). Invitae Evidence Modeling of protein sequence and biophysical properties (such as structural, functional, and spatial information, amino acid conservation, physicochemical variation, residue mobility, and thermodynamic stability) indicates that this missense variant is not expected to disrupt SLC6A5 protein function with a negative predictive value of 95%. In summary, the available evidence is currently insufficient to determine the role of this variant in disease. Therefore, it has been classified as a Variant of Uncertain Significance.

NM_004211.5(SLC6A5):c.272C>T (p.Ser91Phe)

Gene: SLC6A5 (solute carrier family 6 member 5; plus strand). Cytogenetic location: 11p15.1.
Variant type: single nucleotide variant.
Coding change: c.272C>T on transcript NM_004211.5 (MANE Select); coding-DNA position 272, C replaced by T.
Protein change: p.Ser91Phe; replaces serine 91 with phenylalanine.
Molecular consequence: missense variant. On other transcripts: 5 prime UTR variant (1).
Genome position (GRCh38, 1-based): chr11:20,601,397, C>T. VCF-style: chr11-20601397-C-T. GRCh37 (hg19) VCF-style: chr11-20622943-C-T.
Other names: c.-292C>T (NM_001318369.2); short protein forms S91F.
Identifiers: ClinVar variation 1420804 (VCV001420804.6), dbSNP rs2133768106, ClinGen allele CA379911780.
Genomic context (GRCh38, chr11:20,601,397, plus strand): 5'-AGGCTGAGCGGCCAGGAGTGGGGTCTTGCAAACTCAGTAGCCCGCGGGCGCAGGCGGCCT[C>T]TGCAGCTCTGCGGGACTTGAGAGAGGCGCAAGGCGCGCAGGCCTCGCCCCCTCCCGGGAG-3'
Protein context (NP_004202.4, residues 81-101): KLSSPRAQAA[Ser91Phe]AALRDLREAQ